The following is an entry in ClinVar:

NM_001267550.2(TTN):c.64708del (p.Ser21570fs)

Genes: TTN-AS1 (TTN antisense RNA 1; plus strand), TTN (titin; minus strand). Cytogenetic location: 2q31.2.
Variant type: Deletion.
Coding change: c.64708del on transcript NM_001267550.2 (MANE Select); coding-DNA position 64708, one base deleted (T; older notation c.64708delT).
Protein change: p.Ser21570fs; shifts the reading frame from serine 21570.
Molecular consequence: frameshift variant. On other transcripts: non-coding transcript variant (1).
Genome position (GRCh38, 1-based): chr2:178,584,933, A deleted on the plus strand (T on the coding strand, the reverse complement: TTN is on the minus strand); the first of 3 consecutive A bases (chr2:178,584,933-178,584,935); deleting any one gives the same sequence. VCF-style (leftmost placement, unchanged base first): chr2-178584932-GA-G. GRCh37 (hg19) VCF-style: chr2-179449659-GA-G.
Other names: c.37888del, p.Ser12630fs (NM_133432.3); c.38089del, p.Ser12697fs (NM_133437.4); c.59785del, p.Ser19929fs (NM_001256850.1); c.37513del, p.Ser12505fs (NM_003319.4); c.57004del, p.Ser19002fs (NM_133378.4); short protein forms S12505fs, S12630fs, S12697fs, S19002fs, S19929fs, S21570fs.
Identifiers: ClinVar variation 1174685 (VCV001174685.9), dbSNP rs2048590205, ClinGen allele CA1310537222.

ClinVar aggregate classification (germline): Likely pathogenic. Review status: criteria provided, single submitter (1 of 4 stars). 3 submissions from 3 submitters: Likely pathogenic (1). 2 of the submissions do not count toward it. Last evaluated 2024-11-19.

Conditions:
Dilated cardiomyopathy 1G (CMD1G). Identifiers: Orphanet 154, MedGen C1858763, MONDO:0011400, OMIM 604145.
Autosomal recessive limb-girdle muscular dystrophy type 2J (LGMDR10). Also called: Limb-girdle muscular dystrophy, type 2J; MUSCULAR DYSTROPHY, LIMB-GIRDLE, AUTOSOMAL RECESSIVE 10. Identifiers: Orphanet 140922, MedGen C1837342, MONDO:0012127, OMIM 608807.

Submissions (3):

Labcorp Genetics (formerly Invitae), Labcorp
Classification: Likely pathogenic for Dilated cardiomyopathy 1G; Autosomal recessive limb-girdle muscular dystrophy type 2J. Last evaluated: 2024-11-19. Review status: criteria provided, single submitter. Criteria: Invitae Variant Classification Sherloc (09022015). Collection method: clinical testing. Allele origin: germline.
Comment: This sequence change creates a premature translational stop signal (p.Ser21570Leufs*3) in the TTN gene. While this is not anticipated to result in nonsense mediated decay, it is expected to create a truncated TTN protein. This variant is not present in population databases (gnomAD no frequency). This variant has not been reported in the literature in individuals affected with TTN-related conditions. ClinVar contains an entry for this variant (Variation ID: 1174685). This variant is located in the A band of TTN (PMID: 25589632). Truncating variants in this region are significantly overrepresented in patients affected with dilated cardiomyopathy (PMID: 25589632). Truncating variants in this region have also been reported in individuals affected with autosomal recessive centronuclear myopathy (PMID: 23975875). In summary, the currently available evidence indicates that the variant is pathogenic, but additional data are needed to prove that conclusively. Therefore, this variant has been classified as Likely Pathogenic.

Diagnostic Laboratory, Department of Genetics, University Medical Center Groningen
Classification: Likely pathogenic. Review status: no assertion criteria provided. Collection method: clinical testing. Allele origin: germline. Affected: yes. Study: VKGL Data-share Consensus. Not counted in ClinVar's aggregate classification.

Genome Diagnostics Laboratory, University Medical Center Utrecht
Classification: Likely pathogenic. Review status: no assertion criteria provided. Collection method: clinical testing. Allele origin: germline. Affected: yes. Study: VKGL Data-share Consensus. Not counted in ClinVar's aggregate classification.

Literature cited by the submitters: PubMed 25589632 (cited by Labcorp Genetics (formerly Invitae), Labcorp); PubMed 23975875 (cited by Labcorp Genetics (formerly Invitae), Labcorp).